The following is an entry in ClinVar:

ClinVar aggregate classification (germline): Uncertain significance (1 of 4 stars; one submission).

Conditions:
Dyskeratosis congenita. Identifiers: Orphanet 1775, MedGen C0265965, MONDO:0015780.

Allele frequency attached by ClinVar (database versions not stated): gnomAD exomes 0.00001 and 0.00004; ExAC 0.00002; TOPMed 0.00003.
gnomAD v4.1: 8 of 1,614,062 alleles (0.0005%); highest among the groups gnomAD compares: Admixed American, 0.013%; no homozygotes.

Submission:

Labcorp Genetics (formerly Invitae), Labcorp
Classification: Uncertain significance for Dyskeratosis congenita. Last evaluated: 2025-07-21. Review status: criteria provided, single submitter. Criteria: Invitae Variant Classification Sherloc (09022015). Collection method: clinical testing. Allele origin: germline.
Comment: This sequence change replaces glutamine, which is neutral and polar, with histidine, which is basic and polar, at codon 147 of the NHP2 protein (p.Gln147His). This variant is present in population databases (rs757655789, gnomAD 0.02%). This variant has not been reported in the literature in individuals affected with NHP2-related conditions. ClinVar contains an entry for this variant (Variation ID: 972388). An algorithm developed to predict the effect of missense changes on protein structure and function (PolyPhen-2) suggests that this variant is likely to be tolerated. In summary, the available evidence is currently insufficient to determine the role of this variant in disease. Therefore, it has been classified as a Variant of Uncertain Significance.

NM_017838.4(NHP2):c.441G>T (p.Gln147His)

Genes: NHP2 (NHP2 ribonucleoprotein; minus strand), RMND5B (required for meiotic nuclear division 5 homolog B; plus strand). Cytogenetic location: 5q35.3.
Variant type: single nucleotide variant.
Coding change: c.441G>T on transcript NM_017838.4 (MANE Select); coding-DNA position 441, G replaced by T.
Protein change: p.Gln147His; replaces glutamine 147 with histidine.
Molecular consequence: missense variant. On other transcripts: 3 prime UTR variant (5).
Genome position (GRCh38, 1-based): chr5:178,149,734, C>A on the plus strand (G>T on the coding strand, the complement: NHP2 is on the minus strand). VCF-style: chr5-178149734-C-A. GRCh37 (hg19) VCF-style: chr5-177576735-C-A.
Other names: c.*62G>T (NM_001034833.2, NM_001396110.1); c.*1702C>A (NM_001288794.2, NM_001288795.2, NM_022762.5); short protein forms Q147H.
Identifiers: ClinVar variation 972388 (VCV000972388.7), dbSNP rs757655789, ClinGen allele CA3589100.